The following is an entry in ClinVar:

ClinVar aggregate classification (germline): Likely benign. Review status: criteria provided, multiple submitters, no conflicts (2 of 4 stars). 2 submissions from 2 submitters: Likely benign (2). Last evaluated 2026-05-12.

Conditions:
Neurofibromatosis, type 1 (NF1). Also called: Neurofibromatosis, type I; VON RECKLINGHAUSEN DISEASE; NEUROFIBROMATOSIS, TYPE I, SOMATIC; Peripheral type neurofibromatosis. Identifiers: Orphanet 636, MedGen C0027831, MONDO:0018975, OMIM 162200. Disease mechanism: loss of function.

Allele frequency attached by ClinVar (database versions not stated): gnomAD 0.00001; TOPMed 0.00001.
gnomAD v4.1: 4 of 1,612,076 alleles (0.00025%); highest among the groups gnomAD compares: Non-Finnish European, 0.00034%; no homozygotes.

Submissions (2):

Myriad Genetics, Inc.
Classification: Likely benign for Neurofibromatosis, type 1. Last evaluated: 2026-05-12. Review status: criteria provided, single submitter. Criteria: Myriad Autosomal Dominant, Autosomal Recessive and X-Linked Classification Criteria (2023). Collection method: clinical testing. Allele origin: unknown.
Comment: This variant is considered likely benign. This variant is intronic and is not expected to impact mRNA splicing.

Labcorp Genetics (formerly Invitae), Labcorp
Classification: Likely benign for Neurofibromatosis, type 1. Last evaluated: 2025-12-13. Review status: criteria provided, single submitter. Criteria: Invitae Variant Classification Sherloc (09022015). Collection method: clinical testing. Allele origin: germline.

NM_001042492.3(NF1):c.2002-8A>T

Gene: NF1 (neurofibromin 1; plus strand). Cytogenetic location: 17q11.2.
Variant type: single nucleotide variant.
Coding change: c.2002-8A>T on transcript NM_001042492.3 (MANE Select); 8 bases into the intron before coding-DNA position 2002, A replaced by T.
Molecular consequence: intron variant.
Genome position (GRCh38, 1-based): chr17:31,226,427, A>T. VCF-style: chr17-31226427-A-T. GRCh37 (hg19) VCF-style: chr17-29553445-A-T.
Other names: c.2002-8A>T (NM_000267.4).
Identifiers: ClinVar variation 703625 (VCV000703625.10), dbSNP rs1318674321, ClinGen allele CA728045297.